The following is an entry in ClinVar:

NM_007078.3(LDB3):c.896+6669TC[12]

Gene: LDB3 (LIM domain binding 3; plus strand). Cytogenetic location: 10q23.2.
Variant type: Microsatellite.
Coding change: c.896+6669TC[12] on transcript NM_007078.3 (MANE Select); 12 copies in a row of the 2-base unit TC starting at c.896+6669.
Molecular consequence: intron variant.
Genome position: GRCh38 VCF-style: chr10-86699239-TTCTC-T. GRCh37 (hg19) VCF-style: chr10-88458996-TTCTC-T.
Other names: c.756-13_756-10delCTCT (NM_001080116.1); c.896+6669TC[12] (NM_001368064.1, NM_001368065.1); c.897-38TC[12] (NM_001368063.1, NM_001080115.2); c.756-38TC[12] (NM_001368068.1, NM_001368067.1, NM_001080116.1); c.1100+6669TC[12] (NM_001171610.2); c.755+6669TC[12] (NM_001368066.1, NM_001080114.2); c.1101-38TC[12] (NM_001171611.2).
Identifiers: ClinVar variation 43882 (VCV000043882.10), dbSNP rs71019410, ClinGen allele CA133088.

ClinVar aggregate classification (germline): Benign/Likely benign. Review status: criteria provided, multiple submitters, no conflicts (2 of 4 stars). 3 submissions from 3 submitters: Benign (2); Likely benign (1). Last evaluated 2019-08-13.

Submissions (3):

GeneDx
Classification: Benign. Last evaluated: 2019-08-13. Review status: criteria provided, single submitter. Criteria: GeneDx Variant Classification Process June 2021. Collection method: clinical testing. Allele origin: germline. Affected: yes.

Eurofins Ntd Llc (ga)
Classification: Benign. Last evaluated: 2015-07-14. Review status: criteria provided, single submitter. Criteria: EGL Classification Definitions 2015. Collection method: clinical testing. Allele origin: germline. Observed: 1 variant allele, 1 heterozygote.

Laboratory for Molecular Medicine, Mass General Brigham Personalized Medicine
Classification: Likely benign. Last evaluated: 2011-10-12. Review status: criteria provided, single submitter. Criteria: LMM Criteria. Collection method: clinical testing. Allele origin: germline. Observed: 1 variant allele.
Comment: 756-15_756-12delCTCT in intron 7 of LDB3: This variant is not expected to have c linical significance because it is not located in the conserved +/- 1, 2 region of the splicing consensus sequence.